The following is an entry in ClinVar:

ClinVar aggregate classification (germline): Uncertain significance. Review status: criteria provided, single submitter (1 of 4 stars). 2 submissions from 2 submitters: Uncertain significance (1). 1 of the submissions does not count toward it. Last evaluated 2025-06-25.

Conditions:
LAMB1-related disorder. Also called: LAMB1-related condition.

Allele frequency attached by ClinVar (database versions not stated): gnomAD 0.00003 and 0.00004; gnomAD exomes 0.00003 and 0.00014; TOPMed 0.00008; ExAC 0.00017.
gnomAD v4.1: 49 of 1,612,598 alleles (0.003%); highest among the groups gnomAD compares: Admixed American, 0.082%; no homozygotes.

Submissions (3):

Labcorp Genetics (formerly Invitae), Labcorp
Classification: Uncertain significance. Last evaluated: 2025-06-25. Review status: criteria provided, single submitter. Criteria: Invitae Variant Classification Sherloc (09022015). Collection method: clinical testing. Allele origin: germline.
Comment: This sequence change falls in intron 24 of the LAMB1 gene. It does not directly change the encoded amino acid sequence of the LAMB1 protein. It affects a nucleotide within the consensus splice site. This variant is present in population databases (rs766051911, gnomAD 0.1%). This variant has not been reported in the literature in individuals affected with LAMB1-related conditions. ClinVar contains an entry for this variant (Variation ID: 1429736). Variants that disrupt the consensus splice site are a relatively common cause of aberrant splicing (PMID: 17576681, 9536098). Algorithms developed to predict the effect of sequence changes on RNA splicing suggest that this variant is not likely to affect RNA splicing. In summary, the available evidence is currently insufficient to determine the role of this variant in disease. Therefore, it has been classified as a Variant of Uncertain Significance.

PreventionGenetics, part of Exact Sciences
Classification: Likely benign for LAMB1-related condition. Last evaluated: 2021-10-25. Review status: no assertion criteria provided. Collection method: clinical testing. Allele origin: germline. Not counted in ClinVar's aggregate classification.
Comment: This variant is classified as likely benign based on ACMG/AMP sequence variant interpretation guidelines (Richards et al. 2015 PMID: 25741868, with internal and published modifications).

Dr. Peter K. Rogan Lab, Western University
No classification provided (evidence only). Condition: Cervical cancer. Review status: no classification provided. Collection method: in vitro. Allele origin: not applicable. Functional consequence: skipped exon, retained intron. Not counted in ClinVar's aggregate classification.

Literature cited by the submitters: PubMed 17576681 (cited by Labcorp Genetics (formerly Invitae), Labcorp); PubMed 9536098 (cited by Labcorp Genetics (formerly Invitae), Labcorp).

NM_002291.3(LAMB1):c.3391+4A>C

Gene: LAMB1 (laminin subunit beta 1; minus strand). Cytogenetic location: 7q31.1.
Variant type: single nucleotide variant.
Coding change: c.3391+4A>C on transcript NM_002291.3 (MANE Select); 4 bases into the intron after coding-DNA position 3391, A replaced by C.
Molecular consequence: intron variant.
Genome position (GRCh38, 1-based): chr7:107,951,222, T>G on the plus strand (A>C on the coding strand, the complement: LAMB1 is on the minus strand). VCF-style: chr7-107951222-T-G. GRCh37 (hg19) VCF-style: chr7-107591667-T-G.
Other names: c.3391+4A>C (NM_002291.2).
Identifiers: ClinVar variation 1429736 (VCV001429736.7), dbSNP rs766051911, ClinGen allele CA4435343.